The following is an entry in ClinVar:

ClinVar aggregate classification (germline): Uncertain significance (1 of 4 stars; one submission).

Conditions:
Microcephaly, normal intelligence and immunodeficiency (NBS). Also called: Immunodeficiency, microcephaly with normal intelligence; Nijmegen breakage syndrome; Ataxia telangiectasia variant V1; SEEMANOVA SYNDROME II; BERLIN BREAKAGE SYNDROME; IMMUNODEFICIENCY, MICROCEPHALY, AND CHROMOSOMAL INSTABILITY. Identifiers: Orphanet 647, MedGen C0398791, MONDO:0009623, OMIM 251260.

Submission:

Labcorp Genetics (formerly Invitae), Labcorp
Classification: Uncertain significance for Microcephaly, normal intelligence and immunodeficiency. Last evaluated: 2025-04-07. Review status: criteria provided, single submitter. Criteria: Invitae Variant Classification Sherloc (09022015). Collection method: clinical testing. Allele origin: germline.
Comment: This sequence change falls in intron 4 of the NBN gene. It does not directly change the encoded amino acid sequence of the NBN protein. It affects a nucleotide within the consensus splice site. This variant is not present in population databases (gnomAD no frequency). This variant has not been reported in the literature in individuals affected with NBN-related conditions. ClinVar contains an entry for this variant (Variation ID: 958445). Variants that disrupt the consensus splice site are a relatively common cause of aberrant splicing (PMID: 17576681, 9536098). Algorithms developed to predict the effect of sequence changes on RNA splicing suggest that this variant is not likely to affect RNA splicing. In summary, the available evidence is currently insufficient to determine the role of this variant in disease. Therefore, it has been classified as a Variant of Uncertain Significance.

Literature cited by the submitters: PubMed 17576681; PubMed 9536098.

NM_002485.5(NBN):c.480+4G>T

Gene: NBN (nibrin; minus strand). Cytogenetic location: 8q21.3.
Variant type: single nucleotide variant.
Coding change: c.480+4G>T on transcript NM_002485.5 (MANE Select); 4 bases into the intron after coding-DNA position 480, G replaced by T.
Molecular consequence: intron variant.
Genome position (GRCh38, 1-based): chr8:89,980,730, C>A on the plus strand (G>T on the coding strand, the complement: NBN is on the minus strand). VCF-style: chr8-89980730-C-A. GRCh37 (hg19) VCF-style: chr8-90992958-C-A.
Other names: c.234+4G>T (NM_001024688.3).
Identifiers: ClinVar variation 958445 (VCV000958445.9), dbSNP rs1812019530, ClinGen allele CA1139660648.